The following is an entry in ClinVar:

NM_023067.4(FOXL2):c.340A>T (p.Lys114Ter)

Gene: FOXL2 (forkhead box L2; minus strand). Cytogenetic location: 3q22.3.
Variant type: single nucleotide variant.
Coding change: c.340A>T on transcript NM_023067.4 (MANE Select); coding-DNA position 340, A replaced by T.
Protein change: p.Lys114Ter; replaces lysine 114 with a stop codon.
Molecular consequence: nonsense.
Genome position (GRCh38, 1-based): chr3:138,946,383, T>A on the plus strand (A>T on the coding strand, the complement: FOXL2 is on the minus strand). VCF-style: chr3-138946383-T-A. GRCh37 (hg19) VCF-style: chr3-138665225-T-A.
Other names: short protein forms K114*.
Identifiers: ClinVar variation 1699241 (VCV001699241.3), dbSNP rs1057516159, ClinGen allele CA354706636.
Genomic context (GRCh38, chr3:138,946,383, plus strand): 5'-AGGCCGGGTCCAGCGTCCAGTAGTTGCCCTTGCGCTCGCCGCCGCCCTCGCGCGGCACCT[T>A]GATGAAGCACTCGTTGAGGCTGAGGTTGTGGCGGATGCTATTTTGCCAGCCCTTCTTATT-3'

ClinVar aggregate classification (germline): Pathogenic (1 of 4 stars; one submission).

Conditions:
Blepharophimosis, ptosis, and epicanthus inversus syndrome. Identifiers: Orphanet 126, MedGen C0220663, MONDO:0007201, OMIM 110100.

Submission:

Victorian Clinical Genetics Services, Murdoch Childrens Research Institute
Classification: Pathogenic for Blepharophimosis, ptosis, and epicanthus inversus syndrome. Last evaluated: 2022-02-02. Review status: criteria provided, single submitter. Criteria: ACMG Guidelines, 2015. Collection method: clinical testing. Allele origin: germline. Inheritance: Autosomal dominant inheritance.
Comment: Based on the classification scheme VCGS_Germline_v1.3.4, this variant is classified as Pathogenic. Following criteria are met: 0103 - Dominant negative and loss of function are suggested mechanisms of disease in this gene and are associated with both type I and II blepharophimosis, ptosis and epicanthus inversus syndrome (BPES) (MIM# 110100; PMID: 18635577, 19515849, 33796131). (I) 0107 - This gene is associated with autosomal dominant disease with a single family reported for autosomal inheritance (OMIM). (I) 0115 - Variants in this gene are known to have variable expressivity (PMID: 12529855). (I) 0204 - Variant is predicted to result in a truncated protein (premature termination codon is NOT located at least 54 nucleotides upstream of the final exon-exon junction) with at least 1/3 of the protein sequence affected. (SP) 0251 - This variant is heterozygous. (I) 0301 - Variant is absent from gnomAD (both v2 and v3). (SP) 0600 - Variant is predicted to truncate part of the Forkhead domain (NCBI domain). (I) 0701 - Other downstream truncating variants comparable to the one identified in this case have very strong previous evidence for pathogenicity (ClinVar). (SP) 0807 - This variant has no previous evidence of pathogenicity. (I) 0905 - No published segregation evidence has been identified for this variant. (I) 1007 - No published functional evidence has been identified for this variant. (I) 1208 - Inheritance information for this variant is not currently available in this individual. (I) Legend: (SP) - Supporting pathogenic, (I) - Information, (SB) - Supporting benign

Literature cited by the submitters: PubMed 12529855; PubMed 18635577; PubMed 19515849; PubMed 33796131.